The following is an entry in ClinVar:

NM_012471.3(TRPC5):c.279C>T (p.Ser93=)

Gene: TRPC5 (transient receptor potential cation channel subfamily C member 5; minus strand). Cytogenetic location: Xq23.
Variant type: single nucleotide variant.
Coding change: c.279C>T on transcript NM_012471.3 (MANE Select); coding-DNA position 279, C replaced by T.
Protein change: p.Ser93=; no amino-acid change (serine 93 retained).
Molecular consequence: synonymous variant.
Genome position (GRCh38, 1-based): chrX:111,952,142, G>A on the plus strand (C>T on the coding strand, the complement: TRPC5 is on the minus strand). VCF-style: chrX-111952142-G-A. GRCh37 (hg19) VCF-style: chrX-111195370-G-A.
Identifiers: ClinVar variation 4990601 (VCV004990601.1).
Genomic context (GRCh38, chrX:111,952,142, plus strand): 5'-CTCCACAGCGCCCACCACTTCCTTGCGTATGGCATAGAGCAATGCATCACCCACATACAC[G>A]CTGTGGTTCAGCAGTAGCTCCATGATCTCCAGGTTCTCGTTCTCAATGGCAATGAGCAGG-3'
Protein context (NP_036603.1, residues 83-103): LEIMELLLNH[Ser93=]VYVGDALLYA

ClinVar aggregate classification (germline): Likely benign (1 of 4 stars; one submission).

Conditions:
TRPC5-related disorder. Also called: TRPC5-related condition.

gnomAD v4.1: 12 of 1,210,722 alleles (0.00099%); highest among the groups gnomAD compares: East Asian, 0.003%; no homozygotes.

Submission:

PreventionGenetics, part of Exact Sciences
Classification: Likely benign for TRPC5-related condition. Last evaluated: 2026-02-17. Review status: criteria provided, single submitter. Criteria: ACMG Guidelines, 2015. Collection method: clinical testing. Allele origin: germline.
Comment: This variant is classified as likely benign based on ACMG/AMP sequence variant interpretation guidelines (Richards et al. 2015 PMID: 25741868, with internal and published modifications).